The following is an entry in ClinVar:

NM_024592.5(SRD5A3):c.344T>G (p.Leu115Arg)

Gene: SRD5A3 (steroid 5 alpha-reductase 3; plus strand). Cytogenetic location: 4q12.
Variant type: single nucleotide variant.
Coding change: c.344T>G on transcript NM_024592.5 (MANE Select); coding-DNA position 344, T replaced by G.
Protein change: p.Leu115Arg; replaces leucine 115 with arginine.
Molecular consequence: missense variant.
Genome position (GRCh38, 1-based): chr4:55,359,468, T>G. VCF-style: chr4-55359468-T-G. GRCh37 (hg19) VCF-style: chr4-56225635-T-G.
Other names: c.344T>G, p.Leu115Arg (NM_001410732.1); short protein forms L115R.
Identifiers: ClinVar variation 1716098 (VCV001716098.5), dbSNP rs2545451460, ClinGen allele CA356957213.

ClinVar aggregate classification (germline): Uncertain significance (1 of 4 stars; one submission).

Conditions:
SRD5A3-congenital disorder of glycosylation. Also called: Ocular colobomas, ichthyosis, brain malformations and endocrine abnormalities; CDG Iq; SRD5A3-CDG; Congenital disorder of glycosylation type 1Q; COLOBOMA, OCULAR, WITH ICHTHYOSIS, BRAIN MALFORMATIONS, AND ENDOCRINE ABNORMALITIES. Identifiers: Orphanet 324737, MedGen C4317224, MONDO:0012885, OMIM 612379.

Submission:

Labcorp Genetics (formerly Invitae), Labcorp
Classification: Uncertain significance for SRD5A3-congenital disorder of glycosylation. Last evaluated: 2022-08-10. Review status: criteria provided, single submitter. Criteria: Invitae Variant Classification Sherloc (09022015). Collection method: clinical testing. Allele origin: germline.
Comment: This sequence change replaces leucine, which is neutral and non-polar, with arginine, which is basic and polar, at codon 115 of the SRD5A3 protein (p.Leu115Arg). This variant is not present in population databases (gnomAD no frequency). This variant has not been reported in the literature in individuals affected with SRD5A3-related conditions. Algorithms developed to predict the effect of missense changes on protein structure and function (SIFT, PolyPhen-2, Align-GVGD) all suggest that this variant is likely to be disruptive. In summary, the available evidence is currently insufficient to determine the role of this variant in disease. Therefore, it has been classified as a Variant of Uncertain Significance.